The following is an entry in ClinVar:

NM_000277.3(PAH):c.842C>A (p.Pro281His)

Gene: PAH (phenylalanine hydroxylase; minus strand). Cytogenetic location: 12q23.2.
Variant type: single nucleotide variant.
Coding change: c.842C>A on transcript NM_000277.3 (MANE Select); coding-DNA position 842, C replaced by A.
Protein change: p.Pro281His; replaces proline 281 with histidine.
Molecular consequence: missense variant.
Genome position (GRCh38, 1-based): chr12:102,852,815, G>T on the plus strand (C>A on the coding strand, the complement: PAH is on the minus strand). VCF-style: chr12-102852815-G-T. GRCh37 (hg19) VCF-style: chr12-103246593-G-T.
Other names: c.842C>A (NM_000277.2); c.842C>A, p.Pro281His (NM_001354304.2); short protein forms P281H.
Identifiers: ClinVar variation 1334639 (VCV001334639.8), dbSNP rs5030851, ClinGen allele CA386294527.

ClinVar aggregate classification (germline): Pathogenic/Likely pathogenic. Review status: criteria provided, multiple submitters, no conflicts (2 of 4 stars). 3 submissions from 3 submitters: Pathogenic (1); Likely pathogenic (2). Last evaluated 2025-12-24.

Conditions:
Phenylketonuria (PKU). Also called: Phenylketonuria (PKU); FOLLING DISEASE; OLIGOPHRENIA PHENYLPYRUVICA; Phenylketonurias. Identifiers: Orphanet 716, MedGen C0031485, MONDO:0009861, OMIM 261600. Disease mechanism: loss of function.

gnomAD v4.1: 3 of 1,613,882 alleles (0.00019%); highest among the groups gnomAD compares: African/African-American, 0.004%; no homozygotes.

Submissions (3):

Natera, Inc.
Classification: Likely pathogenic for Phenylketonuria. Last evaluated: 2025-12-24. Review status: criteria provided, single submitter. Criteria: Natera Variant Classification Schema (03/2026). Collection method: clinical testing. Allele origin: germline.
Comment: The c.842C>A variant in PAH is a missense variant predicted to cause substitution of proline to histidine at amino acid 281. This variant is rare in the general population with a frequency below the threshold expected for the associated phenotype(s). This variant is located in a functionally critical region of the protein. A different variant at the same position has been determined to be Pathogenic or Likely Pathogenic. Computational prediction algorithms indicate this variant is likely to affect gene or protein function. Given the available evidence, this variant is classified as Likely Pathogenic.

Labcorp Genetics (formerly Invitae), Labcorp
Classification: Pathogenic for Phenylketonuria. Last evaluated: 2024-08-12. Review status: criteria provided, single submitter. Criteria: Invitae Variant Classification Sherloc (09022015). Collection method: clinical testing. Allele origin: germline.
Comment: This sequence change replaces proline, which is neutral and non-polar, with histidine, which is basic and polar, at codon 281 of the PAH protein (p.Pro281His). This variant is not present in population databases (gnomAD no frequency). This missense change has been observed in individual(s) with hyperphenylalaninemia (PKU) (Invitae). In at least one individual the data is consistent with being in trans (on the opposite chromosome) from a pathogenic variant. ClinVar contains an entry for this variant (Variation ID: 1334639). An algorithm developed to predict the effect of missense changes on protein structure and function (PolyPhen-2) suggests that this variant is likely to be disruptive. This variant disrupts the p.Pro281 amino acid residue in PAH. Other variant(s) that disrupt this residue have been determined to be pathogenic (PMID: 9450897, 12409276, 21147011, 27264808). This suggests that this residue is clinically significant, and that variants that disrupt this residue are likely to be disease-causing. For these reasons, this variant has been classified as Pathogenic.

Greenwood Genetic Center Diagnostic Laboratories, Greenwood Genetic Center
Classification: Likely pathogenic for Phenylketonuria. Last evaluated: 2021-10-12. Review status: criteria provided, single submitter. Criteria: ACMG Guidelines, 2015. Collection method: clinical testing. Allele origin: germline. Affected: yes.
Comment: PM1, PM2, PM5, PP3

Literature cited by the submitters: PubMed 9450897 (cited by Labcorp Genetics (formerly Invitae), Labcorp); PubMed 12409276 (cited by Labcorp Genetics (formerly Invitae), Labcorp); PubMed 21147011 (cited by Labcorp Genetics (formerly Invitae), Labcorp); PubMed 27264808 (cited by Labcorp Genetics (formerly Invitae), Labcorp).